The following is an entry in ClinVar:

NM_031220.4(PITPNM3):c.2685GAA[1] (p.Lys896del)

Gene: PITPNM3 (PITPNM family member 3; minus strand). Cytogenetic location: 17p13.2.
Variant type: Microsatellite.
Coding change: c.2685GAA[1] on transcript NM_031220.4 (MANE Select); one copy of the 3-base unit GAA starting at c.2685; the reference has two copies in a row; one copy, 3 bases deleted.
Protein change: p.Lys896del; deletes lysine 896.
Molecular consequence: inframe deletion.
Genome position (GRCh38, 1-based): chr17:6,455,573-6,455,575, TTC deleted on the plus strand (GAA on the coding strand, the reverse complement: PITPNM3 is on the minus strand); deleting any 3 consecutive bases within chr17:6,455,573-6,455,580 gives the same sequence; the position shown is the placement nearest the transcript's 3' end. VCF-style (leftmost placement, unchanged base first): chr17-6455572-GTTC-G. GRCh37 (hg19) VCF-style: chr17-6358892-GTTC-G.
Other names: c.2577GAA[1], p.Lys860del (NM_001165966.2); short protein forms K860del, K896del.
Identifiers: ClinVar variation 1910445 (VCV001910445.5), dbSNP rs774569871, ClinGen allele CA8329048.

ClinVar aggregate classification (germline): Uncertain significance (1 of 4 stars; one submission).

Submission:

Labcorp Genetics (formerly Invitae), Labcorp
Classification: Uncertain significance. Last evaluated: 2024-11-11. Review status: criteria provided, single submitter. Criteria: Invitae Variant Classification Sherloc (09022015). Collection method: clinical testing. Allele origin: germline.
Comment: This variant, c.2688_2690del, results in the deletion of 1 amino acid(s) of the PITPNM3 protein (p.Lys896del), but otherwise preserves the integrity of the reading frame. This variant is present in population databases (rs774569871, gnomAD 0.005%). This variant has not been reported in the literature in individuals affected with PITPNM3-related conditions. Experimental studies and prediction algorithms are not available or were not evaluated, and the functional significance of this variant is currently unknown. In summary, the available evidence is currently insufficient to determine the role of this variant in disease. Therefore, it has been classified as a Variant of Uncertain Significance.